The following is an entry in ClinVar:

GRCh38/hg38 6p25.3(chr6:259528-307998)x1

Genes: DUSP22 (dual specificity phosphatase 22; plus strand), LOC129995536 (ATAC-STARR-seq lymphoblastoid active region 23815; plus strand), LOC129995537 (ATAC-STARR-seq lymphoblastoid active region 23816; plus strand), LOC129995538 (ATAC-STARR-seq lymphoblastoid active region 23818; plus strand), LOC129995539 (ATAC-STARR-seq lymphoblastoid active region 23819; plus strand) and 3 more. Cytogenetic location: 6p25.3.
Variant type: copy number loss.
Change: copy number 1 (one copy instead of two) of chr6:259,528-307,998 (48.5 kb, GRCh38 coordinates, 1-based), cytogenetic band 6p25.3.
Identifiers: ClinVar variation 32021 (VCV000032021.3).

ClinVar aggregate classification (germline): Benign. Review status: no assertion criteria provided (0 of 4 stars). 2 submissions from 1 submitter: Benign (1). 1 of the submissions does not count toward it. Last evaluated 2013-08-26.

Submissions (2):

ISCA site 4
Classification: Benign. Last evaluated: 2013-08-26. Review status: no assertion criteria provided. Collection method: clinical testing. Allele origin: unknown. Affected: yes. Observed: 24 variant alleles. Clinical features observed: Developmental delay AND/OR other significant developmental or morphological phenotypes, Short stature (HP:0004322), Global developmental delay (HP:0001263), Ichthyosis (HP:0000955), Autism (HP:0000717), Seizure (HP:0001275), Seizure (HP:0001250), Abnormality of the skeletal system (HP:0000924).

ISCA site 4
Classification: Benign. Last evaluated: 2011-08-12. Review status: flagged submission. Criteria: Kaminsky et al. (Genet Med. 2011). Collection method: clinical testing. Allele origin: unknown. Affected: yes. Observed: 4 variant alleles. Clinical features observed: Gonadal dysgenesis (HP:0000133), Developmental delay AND/OR other significant developmental or morphological phenotypes. Not counted in ClinVar's aggregate classification.
Comment: Copy number variation identified through the course of routine clinical cytogenomic testing in postnatal populations. Clinical assertions have been curated as described in Kaminsky et al. 2011.
ClinVar note: Reason: This record appears to be redundant with a more recent record from the same submitter.
ClinVar note: Notes: SCV000077803 appears to be redundant with SCV000175204.